The following is an entry in ClinVar:

NM_020921.4(NIN):c.2400-7_2400-2del

Gene: NIN (ninein; minus strand). Cytogenetic location: 14q22.1.
Variant type: Deletion.
Coding change: c.2400-7_2400-2del on transcript NM_020921.4 (MANE Select); 7 bases into the intron before coding-DNA position 2400 through the canonical splice acceptor site of the intron before coding-DNA position 2400, 6 bases deleted (TATTTA; older notation c.2400-7_2400-2delTATTTA).
Molecular consequence: splice acceptor variant. On other transcripts: intron variant (1).
Genome position (GRCh38, 1-based): chr14:50,758,632-50,758,637, TAAATA deleted on the plus strand (TATTTA on the coding strand, the reverse complement: NIN is on the minus strand); deleting any 6 consecutive bases within chr14:50,758,632-50,758,639 gives the same sequence; the c. name uses the placement nearest the transcript's 3' end. VCF-style (leftmost placement, unchanged base first): chr14-50758631-CTAAATA-C. GRCh37 (hg19) VCF-style: chr14-51225349-CTAAATA-C.
Other names: c.2399+1220_2399+1225del (NM_016350.5); c.2400-7_2400-2del (NM_182946.2, NM_182944.3).
Identifiers: ClinVar variation 3613206 (VCV003613206.2).

ClinVar aggregate classification (germline): Uncertain significance (1 of 4 stars; one submission).

Submission:

Labcorp Genetics (formerly Invitae), Labcorp
Classification: Uncertain significance. Last evaluated: 2024-07-15. Review status: criteria provided, single submitter. Criteria: Invitae Variant Classification Sherloc (09022015). Collection method: clinical testing. Allele origin: germline.
Comment: This sequence change falls in intron 17 of the NIN gene. It does not directly change the encoded amino acid sequence of the NIN protein. This variant is not present in population databases (gnomAD no frequency). This variant has not been reported in the literature in individuals affected with NIN-related conditions. Algorithms developed to predict the effect of sequence changes on RNA splicing suggest that this variant may disrupt the consensus splice site. In summary, the available evidence is currently insufficient to determine the role of this variant in disease. Therefore, it has been classified as a Variant of Uncertain Significance.